The following is an entry in ClinVar:

ClinVar aggregate classification (germline): Pathogenic (1 of 4 stars; one submission).

Allele frequency attached by ClinVar (database versions not stated): TOPMed below 0.00001; gnomAD exomes 0.00001.

Submission:

Labcorp Genetics (formerly Invitae), Labcorp
Classification: Pathogenic. Last evaluated: 2024-10-21. Review status: criteria provided, single submitter. Criteria: Invitae Variant Classification Sherloc (09022015). Collection method: clinical testing. Allele origin: germline.
Comment: This sequence change creates a premature translational stop signal (p.Lys133*) in the APOPT1 gene. It is expected to result in an absent or disrupted protein product. Loss-of-function variants in APOPT1 are known to be pathogenic (PMID: 25175347). This variant is present in population databases (no rsID available, gnomAD 0.0009%). This variant has not been reported in the literature in individuals affected with APOPT1-related conditions. ClinVar contains an entry for this variant (Variation ID: 1967635). For these reasons, this variant has been classified as Pathogenic.

Literature cited by the submitters: PubMed 25175347.

NM_001370595.2(COA8):c.357dup (p.Lys120Ter)

Gene: COA8 (cytochrome c oxidase assembly factor 8; plus strand). Cytogenetic location: 14q32.33.
Variant type: Duplication.
Coding change: c.357dup on transcript NM_001370595.2 (MANE Select); coding-DNA position 357, one base duplicated (T; older notation c.357dupT).
Protein change: p.Lys120Ter; replaces lysine 120 with a stop codon.
Molecular consequence: nonsense. On other transcripts: frameshift variant (1), non-coding transcript variant (1).
Genome position (GRCh38, 1-based): chr14:103,574,142, T duplicated. VCF-style (leftmost placement, unchanged base first): chr14-103574141-C-CT. GRCh37 (hg19) VCF-style: chr14-104040478-C-CT.
Other names: c.357dup, p.Lys120Ter (NM_001302653.2, NM_001302654.2); c.396dup, p.Lys133Terfs (NM_032374.4); short protein forms K120*.
Identifiers: ClinVar variation 1967635 (VCV001967635.5), dbSNP rs1566980722, ClinGen allele CA488033039.